The following is an entry in ClinVar:

ClinVar aggregate classification (germline): Likely benign (1 of 4 stars; one submission).

Allele frequency attached by ClinVar (database versions not stated): gnomAD exomes below 0.00001; ExAC 0.00001.
gnomAD v4.1: 6 of 1,614,028 alleles (0.00037%); highest among the groups gnomAD compares: South Asian, 0.0044%; no homozygotes.

Submission:

CeGaT Center for Human Genetics Tuebingen
Classification: Likely benign. Last evaluated: 2025-11-01. Review status: criteria provided, single submitter. Criteria: CeGaT Center For Human Genetics Tuebingen Variant Classification Criteria Version 2. Collection method: clinical testing. Allele origin: germline. Affected: yes. Observed: 2 variant alleles.
Comment: BLK: BP4, BP7

NM_001715.3(BLK):c.447T>C (p.Leu149=)

Genes: BLK (BLK proto-oncogene, Src family tyrosine kinase), LOC126860303 (CDK7 strongly-dependent group 2 enhancer GRCh37_chr8:11407118-11408317). Cytogenetic location: 8p23.1.
Variant type: single nucleotide variant.
Coding change: c.447T>C on transcript NM_001715.3 (MANE Select); coding-DNA position 447, T replaced by C.
Protein change: p.Leu149=; no amino-acid change (leucine 149 retained).
Molecular consequence: synonymous variant.
Genome position (GRCh38, 1-based): chr8:11,550,237, T>C. VCF-style: chr8-11550237-T-C. GRCh37 (hg19) VCF-style: chr8-11407746-T-C.
Other names: c.234T>C, p.Leu78= (NM_001330465.2).
Identifiers: ClinVar variation 1879705 (VCV001879705.29), dbSNP rs756212051, ClinGen allele CA4629881.